The following is an entry in ClinVar:

ClinVar aggregate classification (germline): Uncertain significance. Review status: criteria provided, single submitter (1 of 4 stars). 2 submissions from 2 submitters: Uncertain significance (1). 1 of the submissions does not count toward it. Last evaluated 2018-11-16.

Conditions:
Autosomal recessive polycystic kidney disease (ARPKD). Also called: AR polycystic kidney disease. Identifiers: Orphanet 731, Orphanet 8378, MedGen C0085548, MeSH D017044, MONDO:0009889.

Submissions (2):

Women's Health and Genetics/Laboratory Corporation of America, LabCorp
Classification: Uncertain significance. Last evaluated: 2018-11-16. Review status: criteria provided, single submitter. Criteria: LabCorp Variant Classification Summary - May 2015. Collection method: clinical testing. Allele origin: germline.
Comment: Variant summary: PKHD1 c.2569G>A (p.Gly857Arg) results in a non-conservative amino acid change in the encoded protein sequence. Five of five in-silico tools predict a damaging effect of the variant on protein function. The variant was absent in 245874 control chromosomes (gnomAD). The available data on variant occurrences in the general population are insufficient to allow any conclusion about variant significance. To our knowledge, no occurrence of c.2569G>A in individuals affected with Polycystic Kidney and Hepatic Disease and no experimental evidence demonstrating its impact on protein function have been reported. No clinical diagnostic laboratories have submitted clinical-significance assessments for this variant to ClinVar after 2014. Based on the evidence outlined above, the variant was classified as uncertain significance.

Natera, Inc.
Classification: Uncertain significance for Autosomal recessive polycystic kidney disease. Last evaluated: 2021-04-15. Review status: no assertion criteria provided. Collection method: clinical testing. Allele origin: germline. Not counted in ClinVar's aggregate classification.

NM_138694.4(PKHD1):c.2569G>A (p.Gly857Arg)

Gene: PKHD1 (PKHD1 ciliary IPT domain containing fibrocystin/polyductin; minus strand). Cytogenetic location: 6p12.2.
Variant type: single nucleotide variant.
Coding change: c.2569G>A on transcript NM_138694.4 (MANE Select); coding-DNA position 2569, G replaced by A.
Protein change: p.Gly857Arg; replaces glycine 857 with arginine.
Molecular consequence: missense variant.
Genome position (GRCh38, 1-based): chr6:52,046,027, C>T on the plus strand (G>A on the coding strand, the complement: PKHD1 is on the minus strand). VCF-style: chr6-52046027-C-T. GRCh37 (hg19) VCF-style: chr6-51910825-C-T.
Other names: c.2569G>A, p.Gly857Arg (NM_170724.3); short protein forms G857R.
Identifiers: ClinVar variation 632944 (VCV000632944.2), dbSNP rs1562220663, ClinGen allele CA364443064.